The following is an entry in ClinVar:

NM_020988.3(GNAO1):c.563C>T (p.Thr188Ile)

Gene: GNAO1 (G protein subunit alpha o1; plus strand). Cytogenetic location: 16q13.
Variant type: single nucleotide variant.
Coding change: c.563C>T on transcript NM_020988.3 (MANE Select); coding-DNA position 563, C replaced by T.
Protein change: p.Thr188Ile; replaces threonine 188 with isoleucine.
Molecular consequence: missense variant.
Genome position (GRCh38, 1-based): chr16:56,334,827, C>T. VCF-style: chr16-56334827-C-T. GRCh37 (hg19) VCF-style: chr16-56368739-C-T.
Other names: c.563C>T, p.Thr188Ile (NM_138736.3); short protein forms T188I.
Identifiers: ClinVar variation 2804854 (VCV002804854.3), dbSNP rs2506872189, ClinGen allele CA395951685.
Genomic context (GRCh38, chr16:56,334,827, plus strand): 5'-ACCAGCCCACCGAGCAGGACATCCTCCGAACCAGGGTCAAAACCACTGGCATCGTAGAAA[C>T]CCACTTCACATTCAAGAACCTCCACTTCAGGTGAGGCCCAGAGAGGCCCCCAGGCCCTGG-3'
Protein context (NP_066268.1, residues 178-198): TRVKTTGIVE[Thr188Ile]HFTFKNLHFR

ClinVar aggregate classification (germline): Uncertain significance (1 of 4 stars; one submission).

Conditions:
Early-infantile DEE. Also called: Early infantile epileptic encephalopathy; Early infantile epileptic encephalopathy with suppression bursts; Ohtahara syndrome. Identifiers: Orphanet 1934, MedGen C0393706, MONDO:0800491.

Allele frequency attached by ClinVar (database versions not stated): gnomAD exomes below 0.00001.
gnomAD v4.1: 2 of 1,614,068 alleles (0.00012%); highest among the groups gnomAD compares: Non-Finnish European, 0.00017%; no homozygotes.

Submission:

Labcorp Genetics (formerly Invitae), Labcorp
Classification: Uncertain significance for Early-infantile DEE. Last evaluated: 2023-11-27. Review status: criteria provided, single submitter. Criteria: Invitae Variant Classification Sherloc (09022015). Collection method: clinical testing. Allele origin: germline.
Comment: This sequence change replaces threonine, which is neutral and polar, with isoleucine, which is neutral and non-polar, at codon 188 of the GNAO1 protein (p.Thr188Ile). This variant is not present in population databases (gnomAD no frequency). This variant has not been reported in the literature in individuals affected with GNAO1-related conditions. Advanced modeling of protein sequence and biophysical properties (such as structural, functional, and spatial information, amino acid conservation, physicochemical variation, residue mobility, and thermodynamic stability) has been performed at Invitae for this missense variant, however the output from this modeling did not meet the statistical confidence thresholds required to predict the impact of this variant on GNAO1 protein function. In summary, the available evidence is currently insufficient to determine the role of this variant in disease. Therefore, it has been classified as a Variant of Uncertain Significance.